The following is an entry in ClinVar:

NM_002336.3(LRP6):c.517C>T (p.Arg173Cys)

Gene: LRP6 (LDL receptor related protein 6; minus strand). Cytogenetic location: 12p13.2.
Variant type: single nucleotide variant.
Coding change: c.517C>T on transcript NM_002336.3 (MANE Select); coding-DNA position 517, C replaced by T.
Protein change: p.Arg173Cys; replaces arginine 173 with cysteine.
Molecular consequence: missense variant. On other transcripts: non-coding transcript variant (1), intron variant (1).
Genome position (GRCh38, 1-based): chr12:12,203,333, G>A on the plus strand (C>T on the coding strand, the complement: LRP6 is on the minus strand). VCF-style: chr12-12203333-G-A. GRCh37 (hg19) VCF-style: chr12-12356267-G-A.
Other names: c.517C>T, p.Arg173Cys (NM_001414244.1, NM_001414245.1, NM_001414246.1 and 5 more transcripts); c.64C>T, p.Arg22Cys (NM_001414252.1, NM_001414253.1, NM_001414254.1); c.450-16214C>T (NM_001414247.1); short protein forms R173C, R22C.
Identifiers: ClinVar variation 4082582 (VCV004082582.1).

ClinVar aggregate classification (germline): Uncertain significance (1 of 4 stars; one submission).

gnomAD v4.1: 1 of 1,613,932 alleles (0.000062%); highest among the groups gnomAD compares: Non-Finnish European, 0.000085%; no homozygotes.

Submission:

GeneDx
Classification: Uncertain significance. Last evaluated: 2025-03-05. Review status: criteria provided, single submitter. Criteria: GeneDx Variant Classification Process June 2021. Collection method: clinical testing. Allele origin: germline. Affected: yes.
Comment: Not observed at significant frequency in large population cohorts (gnomAD); In silico analysis supports that this missense variant has a deleterious effect on protein structure/function; Has not been previously published as pathogenic or benign to our knowledge